The following is an entry in ClinVar:

NC_000002.11:g.(?_8946381)_(8946519_?)del

Gene: KIDINS220 (kinase D interacting substrate 220; minus strand). Cytogenetic location: 2p25.1.
Variant type: Deletion.
Identifiers: ClinVar variation 2426588 (VCV002426588.4).

ClinVar aggregate classification (germline): Uncertain significance (1 of 4 stars; one submission).

Submission:

Labcorp Genetics (formerly Invitae), Labcorp
Classification: Uncertain significance. Last evaluated: 2022-08-31. Review status: criteria provided, single submitter. Criteria: Invitae Variant Classification Sherloc (09022015). Collection method: clinical testing. Allele origin: germline.
Comment: In summary, the available evidence is currently insufficient to determine the role of this variant in disease. Therefore, it has been classified as a Variant of Uncertain Significance. Experimental studies and prediction algorithms are not available or were not evaluated, and the functional significance of this variant is currently unknown. This variant has not been reported in the literature in individuals affected with KIDINS220-related conditions. This variant is a gross deletion of the genomic region encompassing exon(s) 7 of the KIDINS220 gene. This variant would be expected to be in-frame, preserving the integrity of the reading frame.